The following is an entry in ClinVar:

NM_000287.4(PEX6):c.226G>A (p.Val76Ile)

Gene: PEX6 (peroxisomal biogenesis factor 6; minus strand). Cytogenetic location: 6p21.1.
Variant type: single nucleotide variant.
Coding change: c.226G>A on transcript NM_000287.4 (MANE Select); coding-DNA position 226, G replaced by A.
Protein change: p.Val76Ile; replaces valine 76 with isoleucine.
Molecular consequence: missense variant. On other transcripts: non-coding transcript variant (1).
Genome position (GRCh38, 1-based): chr6:42,978,925, C>T on the plus strand (G>A on the coding strand, the complement: PEX6 is on the minus strand). VCF-style: chr6-42978925-C-T. GRCh37 (hg19) VCF-style: chr6-42946663-C-T.
Other names: c.226G>A, p.Val76Ile (NM_001316313.2); short protein forms V76I.
Identifiers: ClinVar variation 2013311 (VCV002013311.4), dbSNP rs2481282092, ClinGen allele CA364167899.

ClinVar aggregate classification (germline): Uncertain significance (1 of 4 stars; one submission).

Conditions:
Peroxisome biogenesis disorder. Identifiers: Orphanet 79189, MedGen C1832200, MONDO:0019234. Disease mechanism: loss of function.

Submission:

Labcorp Genetics (formerly Invitae), Labcorp
Classification: Uncertain significance for Peroxisome biogenesis disorder. Last evaluated: 2022-09-01. Review status: criteria provided, single submitter. Criteria: Invitae Variant Classification Sherloc (09022015). Collection method: clinical testing. Allele origin: germline.
Comment: In summary, the available evidence is currently insufficient to determine the role of this variant in disease. Therefore, it has been classified as a Variant of Uncertain Significance. Algorithms developed to predict the effect of sequence changes on RNA splicing suggest that this variant may disrupt the consensus splice site. Algorithms developed to predict the effect of missense changes on protein structure and function are either unavailable or do not agree on the potential impact of this missense change (SIFT: "Tolerated"; PolyPhen-2: "Possibly Damaging"; Align-GVGD: "Class C0"). This variant has not been reported in the literature in individuals affected with PEX6-related conditions. This variant is not present in population databases (gnomAD no frequency). This sequence change replaces valine, which is neutral and non-polar, with isoleucine, which is neutral and non-polar, at codon 76 of the PEX6 protein (p.Val76Ile).